The following is an entry in ClinVar:

NM_138420.4(AHNAK2):c.6048C>G (p.Pro2016=)

Gene: AHNAK2 (AHNAK nucleoprotein 2; minus strand). Cytogenetic location: 14q32.33.
Variant type: single nucleotide variant.
Coding change: c.6048C>G on transcript NM_138420.4 (MANE Select); coding-DNA position 6048, C replaced by G.
Protein change: p.Pro2016=; no amino-acid change (proline 2016 retained).
Molecular consequence: synonymous variant.
Genome position (GRCh38, 1-based): chr14:104,949,403, G>C on the plus strand (C>G on the coding strand, the complement: AHNAK2 is on the minus strand). VCF-style: chr14-104949403-G-C. GRCh37 (hg19) VCF-style: chr14-105415740-G-C.
Other names: c.5748C>G, p.Pro1916= (NM_001350929.2).
Identifiers: ClinVar variation 2644760 (VCV002644760.24), dbSNP rs376545318, ClinGen allele CA7381374.
Genomic context (GRCh38, chr14:104,949,403, plus strand): 5'-GAGGTCAGTGGTCTTCAGGTCCCCCTGCATGGAGGGGAGACTCACGTCGGCCTCCACCTT[G>C]GGTGCAGGCACATCCACCGAGGCCTCGATGGACCTCCCTGGGGCCGATACCCCGAACGAC-3'
Protein context (NP_612429.2, residues 2006-2026): SIEASVDVPA[Pro2016=]KVEADVSLPS

ClinVar aggregate classification (germline): Benign (1 of 4 stars; one submission).

Allele frequency attached by ClinVar (database versions not stated): gnomAD 0.00087; ExAC 0.00095; 1000 Genomes Project 0.00140; 1000 Genomes Project 30x 0.00297.
gnomAD v4.1: 506 of 1,578,318 alleles (0.032%); highest among the groups gnomAD compares: Admixed American, 0.41%; 50 homozygotes.

Submission:

CeGaT Center for Human Genetics Tuebingen
Classification: Benign. Last evaluated: 2022-06-01. Review status: criteria provided, single submitter. Criteria: CeGaT Center For Human Genetics Tuebingen Variant Classification Criteria Version 2. Collection method: clinical testing. Allele origin: germline. Affected: yes. Observed: 1 variant allele.
Comment: AHNAK2: BS1, BS2